The following is an entry in ClinVar:

NM_006073.4(TRDN):c.232+2T>A

Gene: TRDN (triadin; minus strand). Cytogenetic location: 6q22.31.
Variant type: single nucleotide variant.
Coding change: c.232+2T>A on transcript NM_006073.4 (MANE Select); the canonical splice donor site of the intron after coding-DNA position 232, T replaced by A.
Molecular consequence: splice donor variant.
Genome position (GRCh38, 1-based): chr6:123,570,921, A>T on the plus strand (T>A on the coding strand, the complement: TRDN is on the minus strand). VCF-style: chr6-123570921-A-T. GRCh37 (hg19) VCF-style: chr6-123892066-A-T.
Other names: c.232+2T>A (NM_001407315.1, NM_001251987.2, NM_001256020.2 and 2 more transcripts).
Identifiers: ClinVar variation 463677 (VCV000463677.8), dbSNP rs1554258777, ClinGen allele CA365569008.

ClinVar aggregate classification (germline): Pathogenic (1 of 4 stars; one submission).

Conditions:
Catecholaminergic polymorphic ventricular tachycardia 1. Also called: VENTRICULAR TACHYCARDIA, STRESS-INDUCED POLYMORPHIC 1; VENTRICULAR TACHYCARDIA, CATECHOLAMINERGIC POLYMORPHIC, 1, WITH OR WITHOUT ATRIAL DYSFUNCTION AND/OR DILATED CARDIOMYOPATHY; RYR2-Related Catecholaminergic Polymorphic Ventricular Tachycardia. Identifiers: Orphanet 3286, MedGen C1631597, MONDO:0011484, OMIM 604772.

Submission:

Labcorp Genetics (formerly Invitae), Labcorp
Classification: Pathogenic for Catecholaminergic polymorphic ventricular tachycardia 1. Last evaluated: 2022-05-27. Review status: criteria provided, single submitter. Criteria: Invitae Variant Classification Sherloc (09022015). Collection method: clinical testing. Allele origin: germline.
Comment: This sequence change affects a donor splice site in intron 2 of the TRDN gene. It is expected to disrupt RNA splicing. Variants that disrupt the donor or acceptor splice site typically lead to a loss of protein function (PMID: 16199547), and loss-of-function variants in TRDN are known to be pathogenic (PMID: 22422768, 25922419, 26200674). This variant is not present in population databases (gnomAD no frequency). Disruption of this splice site has been observed in individual(s) with clinical features of TRDN-related conditions (Invitae). In at least one individual the data is consistent with being in trans (on the opposite chromosome) from a pathogenic variant. ClinVar contains an entry for this variant (Variation ID: 463677). Algorithms developed to predict the effect of sequence changes on RNA splicing suggest that this variant may disrupt the consensus splice site. For these reasons, this variant has been classified as Pathogenic.

Literature cited by the submitters: PubMed 16199547; PubMed 22422768; PubMed 25922419; PubMed 26200674.